The following is an entry in ClinVar:

NM_198129.4(LAMA3):c.8098C>T (p.Gln2700Ter)

Gene: LAMA3 (laminin subunit alpha 3; plus strand). Cytogenetic location: 18q11.2.
Variant type: single nucleotide variant.
Coding change: c.8098C>T on transcript NM_198129.4 (MANE Select); coding-DNA position 8098, C replaced by T.
Protein change: p.Gln2700Ter; replaces glutamine 2700 with a stop codon.
Molecular consequence: nonsense.
Genome position (GRCh38, 1-based): chr18:23,921,506, C>T. VCF-style: chr18-23921506-C-T. GRCh37 (hg19) VCF-style: chr18-21501470-C-T.
Other names: c.3271C>T, p.Gln1091Ter (NM_000227.6); c.7930C>T, p.Gln2644Ter (NM_001127717.4); c.3103C>T, p.Gln1035Ter (NM_001127718.4); short protein forms Q1035*, Q2700*, Q1091*, Q2644*.
Identifiers: ClinVar variation 5003240 (VCV005003240.1).

ClinVar aggregate classification (germline): Pathogenic (1 of 4 stars; one submission).

Conditions:
Junctional epidermolysis bullosa. Identifiers: Orphanet 305, MedGen C0079301, MONDO:0017612.

Submission:

Myriad Genetics, Inc.
Classification: Pathogenic for Junctional epidermolysis bullosa. Last evaluated: 2026-02-17. Review status: criteria provided, single submitter. Criteria: Myriad Autosomal Dominant, Autosomal Recessive and X-Linked Classification Criteria (2023). Collection method: clinical testing. Allele origin: unknown.
Comment: NM_000227.3(LAMA3):c.3271C>T(Q1091*) is a nonsense variant classified as pathogenic in the context of junctional epidermolysis bullosa, LAMA3-related. Q1091* has not been observed in cases with relevant disease. Relevant functional assessments of this variant are not available in the literature. Q1091* has not been observed in referenced population frequency databases. In summary, NM_000227.3(LAMA3):c.3271C>T(Q1091*) is a nonsense variant in a gene where loss of function is a known mechanism of disease and is predicted to disrupt protein function. Please note: this variant was assessed in the context of healthy population screening.